The following is an entry in ClinVar:

NM_001378477.3(NYX):c.1036A>C (p.Met346Leu)

Gene: NYX (nyctalopin; plus strand). Cytogenetic location: Xp11.4.
Variant type: single nucleotide variant.
Coding change: c.1036A>C on transcript NM_001378477.3 (MANE Select); coding-DNA position 1036, A replaced by C.
Protein change: p.Met346Leu; replaces methionine 346 with leucine.
Molecular consequence: missense variant.
Genome position (GRCh38, 1-based): chrX:41,474,504, A>C. VCF-style: chrX-41474504-A-C. GRCh37 (hg19) VCF-style: chrX-41333757-A-C.
Other names: c.1036A>C, p.Met346Leu (NM_022567.3); short protein forms M346L.
Identifiers: ClinVar variation 2059548 (VCV002059548.4), dbSNP rs745741032, ClinGen allele CA10389900.
Genomic context (GRCh38, chrX:41,474,504, plus strand): 5'-CTCTTCCTCTTCCGCAACCCGTGGTGCTGCGACTGCCGTCTGGAGTGGCTGAGGGACTGG[A>C]TGGAGGGCTCCGGACGTGTCACCGACGTGCCGTGCGCCTCCCCGGGCTCCGTGGCCGGCC-3'
Protein context (NP_001365406.2, residues 336-356): DCRLEWLRDW[Met346Leu]EGSGRVTDVP

ClinVar aggregate classification (germline): Uncertain significance (1 of 4 stars; one submission).

Allele frequency attached by ClinVar (database versions not stated): gnomAD 0.00003; ExAC 0.00001; TOPMed 0.00002.
gnomAD v4.1: 15 of 1,206,404 alleles (0.0012%); highest among the groups gnomAD compares: Non-Finnish European, 0.0017%; no homozygotes.

Submission:

Labcorp Genetics (formerly Invitae), Labcorp
Classification: Uncertain significance. Last evaluated: 2022-10-27. Review status: criteria provided, single submitter. Criteria: Invitae Variant Classification Sherloc (09022015). Collection method: clinical testing. Allele origin: germline.
Comment: This variant has not been reported in the literature in individuals affected with NYX-related conditions. Advanced modeling of protein sequence and biophysical properties (such as structural, functional, and spatial information, amino acid conservation, physicochemical variation, residue mobility, and thermodynamic stability) performed at Invitae indicates that this missense variant is not expected to disrupt NYX protein function. In summary, the available evidence is currently insufficient to determine the role of this variant in disease. Therefore, it has been classified as a Variant of Uncertain Significance. This variant is present in population databases (rs745741032, gnomAD 0.003%). This sequence change replaces methionine, which is neutral and non-polar, with leucine, which is neutral and non-polar, at codon 351 of the NYX protein (p.Met351Leu).